The following is an entry in ClinVar:

ClinVar aggregate classification (germline): Uncertain significance. Review status: criteria provided, multiple submitters, no conflicts (2 of 4 stars). 2 submissions from 2 submitters: Uncertain significance (2). Last evaluated 2025-06-09.

Conditions:
Limb-girdle muscular dystrophy due to POMK deficiency. Also called: MUSCULAR DYSTROPHY-DYSTROGLYCANOPATHY, LIMB-GIRDLE, POMK-RELATED; Muscular dystrophy-dystroglycanopathy (limb-girdle), type c, 12. Identifiers: Orphanet 445110, MedGen C4015184, MONDO:0014489, OMIM 616094.
Muscular dystrophy-dystroglycanopathy (congenital with brain and eye anomalies), type a, 12 (MDDGA12). Also called: WALKER-WARBURG SYNDROME OR MUSCLE-EYE-BRAIN DISEASE, POMK-RELATED. Identifiers: Orphanet 899, MedGen C3808964, MONDO:0014101, OMIM 615249.
Inborn genetic diseases. Identifiers: MedGen C0950123, MeSH D030342.

Allele frequency attached by ClinVar (database versions not stated): ExAC 0.00001; gnomAD exomes 0.00002 and 0.00001; TOPMed 0.00002; gnomAD 0.00002; ESP Exome Variant Server 0.00008.
gnomAD v4.1: 14 of 1,614,074 alleles (0.00087%); highest among the groups gnomAD compares: Admixed American, 0.0083%; no homozygotes.

Submissions (2):

Ambry Genetics
Classification: Uncertain significance for Inborn genetic diseases. Last evaluated: 2025-06-09. Review status: criteria provided, single submitter. Criteria: Ambry Variant Classification Scheme 2023. Collection method: clinical testing. Allele origin: germline.

Labcorp Genetics (formerly Invitae), Labcorp
Classification: Uncertain significance for Muscular dystrophy-dystroglycanopathy (congenital with brain and eye anomalies), type a, 12; Limb-girdle muscular dystrophy due to POMK deficiency. Last evaluated: 2022-07-01. Review status: criteria provided, single submitter. Criteria: Invitae Variant Classification Sherloc (09022015). Collection method: clinical testing. Allele origin: germline.
Comment: This sequence change replaces proline, which is neutral and non-polar, with serine, which is neutral and polar, at codon 153 of the POMK protein (p.Pro153Ser). This variant is present in population databases (rs140899970, gnomAD 0.009%). This variant has not been reported in the literature in individuals affected with POMK-related conditions. ClinVar contains an entry for this variant (Variation ID: 857754). Algorithms developed to predict the effect of missense changes on protein structure and function (SIFT, PolyPhen-2, Align-GVGD) all suggest that this variant is likely to be disruptive. In summary, the available evidence is currently insufficient to determine the role of this variant in disease. Therefore, it has been classified as a Variant of Uncertain Significance.

NM_032237.5(POMK):c.457C>T (p.Pro153Ser)

Gene: POMK (protein O-mannose kinase; plus strand). Cytogenetic location: 8p11.21.
Variant type: single nucleotide variant.
Coding change: c.457C>T on transcript NM_032237.5 (MANE Select); coding-DNA position 457, C replaced by T.
Protein change: p.Pro153Ser; replaces proline 153 with serine.
Molecular consequence: missense variant.
Genome position (GRCh38, 1-based): chr8:43,122,281, C>T. VCF-style: chr8-43122281-C-T. GRCh37 (hg19) VCF-style: chr8-42977424-C-T.
Other names: c.457C>T, p.Pro153Ser (NM_001277971.2); c.457C>T (NM_032237.3); short protein forms P153S.
Identifiers: ClinVar variation 857754 (VCV000857754.5), dbSNP rs140899970, ClinGen allele CA4736288.